The following is an entry in ClinVar:

NM_018668.5(VPS33B):c.240-13_240-12del

Gene: VPS33B (VPS33B late endosome and lysosome associated; minus strand). Cytogenetic location: 15q26.1.
Variant type: Deletion.
Coding change: c.240-13_240-12del on transcript NM_018668.5 (MANE Select); 13 bases into the intron before coding-DNA position 240 through 12 bases into the intron before coding-DNA position 240, 2 bases deleted (TT; older notation c.240-13_240-12delTT).
Molecular consequence: intron variant.
Genome position (GRCh38, 1-based): chr15:91,014,445-91,014,446, AA deleted on the plus strand (TT on the coding strand, the reverse complement: VPS33B is on the minus strand); deleting any 2 consecutive bases within chr15:91,014,445-91,014,447 gives the same sequence; the c. name uses the placement nearest the transcript's 3' end. VCF-style (leftmost placement, unchanged base first): chr15-91014444-GAA-G. GRCh37 (hg19) VCF-style: chr15-91557674-GAA-G.
Other names: NC_000015.9:g.91557676_91557677del; p.?; c.240-14_240-13del (NM_018668.5); c.240-13_240-12del (NM_018668.4); c.240-13_240-12delTT (NM_018668.3); c.159-13_159-12del (NM_001289148.1); c.-34-13_-34-12del (NM_001289149.1).
Identifiers: ClinVar variation 261045 (VCV000261045.21), dbSNP rs111274092, ClinGen allele CA7745150.

ClinVar aggregate classification (germline): Benign/Likely benign. Review status: criteria provided, multiple submitters, no conflicts (2 of 4 stars). 7 submissions from 7 submitters: Benign (4); Likely benign (1). 2 of the submissions do not count toward it. Last evaluated 2026-02-03.

Submissions (17):

Labcorp Genetics (formerly Invitae), Labcorp
Classification: Benign. Last evaluated: 2026-02-03. Review status: criteria provided, single submitter. Criteria: Invitae Variant Classification Sherloc (09022015). Collection method: clinical testing. Allele origin: germline.

Blueprint Genetics
Classification: Likely benign. Last evaluated: 2024-11-27. Review status: criteria provided, single submitter. Criteria: ACMG Guidelines, 2015. Collection method: clinical testing. Allele origin: germline.

Mayo Clinic Laboratories, Mayo Clinic
Classification: Benign. Last evaluated: 2021-04-27. Review status: criteria provided, single submitter. Criteria: ACMG Guidelines, 2015. Collection method: clinical testing. Allele origin: germline. Observed: 85 variant alleles.

GeneDx
Classification: Benign. Last evaluated: 2019-10-21. Review status: criteria provided, single submitter. Criteria: GeneDx Variant Classification Process June 2021. Collection method: clinical testing. Allele origin: germline. Affected: yes.
Comment: This variant is associated with the following publications: (PMID: 16896922)

PreventionGenetics, part of Exact Sciences
Classification: Benign. Last evaluated: 2016-02-09. Review status: criteria provided, single submitter. Criteria: ACMG Guidelines, 2015. Collection method: clinical testing. Allele origin: germline.

Diagnostic Laboratory, Department of Genetics, University Medical Center Groningen
Classification: Benign. Review status: no assertion criteria provided. Collection method: clinical testing. Allele origin: germline. Affected: yes. Study: VKGL Data-share Consensus. Not counted in ClinVar's aggregate classification.

Dr. Peter K. Rogan Lab, Western University
No classification provided (evidence only). Condition: Clear cell carcinoma of kidney. Review status: no classification provided. Collection method: in vitro. Allele origin: not applicable. Functional consequence: retained intron. Not counted in ClinVar's aggregate classification.

Dr. Peter K. Rogan Lab, Western University
No classification provided (evidence only). Condition: Clear cell carcinoma of kidney. Review status: no classification provided. Collection method: in vitro. Allele origin: not applicable. Functional consequence: retained intron. Not counted in ClinVar's aggregate classification.

Dr. Peter K. Rogan Lab, Western University
No classification provided (evidence only). Condition: Clear cell carcinoma of kidney. Review status: no classification provided. Collection method: in vitro. Allele origin: not applicable. Functional consequence: retained intron. Not counted in ClinVar's aggregate classification.

Dr. Peter K. Rogan Lab, Western University
No classification provided (evidence only). Condition: Malignant tumor of esophagus. Review status: no classification provided. Collection method: in vitro. Allele origin: not applicable. Functional consequence: retained intron. Not counted in ClinVar's aggregate classification.

Dr. Peter K. Rogan Lab, Western University
No classification provided (evidence only). Condition: Malignant tumor of esophagus. Review status: no classification provided. Collection method: in vitro. Allele origin: not applicable. Functional consequence: retained intron. Not counted in ClinVar's aggregate classification.

Dr. Peter K. Rogan Lab, Western University
No classification provided (evidence only). Condition: Malignant tumor of esophagus. Review status: no classification provided. Collection method: in vitro. Allele origin: not applicable. Functional consequence: retained intron. Not counted in ClinVar's aggregate classification.

Dr. Peter K. Rogan Lab, Western University
No classification provided (evidence only). Condition: Cholangiocarcinoma. Review status: no classification provided. Collection method: in vitro. Allele origin: not applicable. Functional consequence: retained intron. Not counted in ClinVar's aggregate classification.

Dr. Peter K. Rogan Lab, Western University
No classification provided (evidence only). Condition: Malignant lymphoma, large B-cell, diffuse. Review status: no classification provided. Collection method: in vitro. Allele origin: not applicable. Functional consequence: retained intron. Not counted in ClinVar's aggregate classification.

Dr. Peter K. Rogan Lab, Western University
No classification provided (evidence only). Condition: Malignant lymphoma, large B-cell, diffuse. Review status: no classification provided. Collection method: in vitro. Allele origin: not applicable. Functional consequence: retained intron. Not counted in ClinVar's aggregate classification.

Dr. Peter K. Rogan Lab, Western University
No classification provided (evidence only). Condition: Clear cell carcinoma of kidney. Review status: no classification provided. Collection method: in vitro. Allele origin: not applicable. Functional consequence: retained intron. Not counted in ClinVar's aggregate classification.

Genome Diagnostics Laboratory, University Medical Center Utrecht
Classification: Benign. Review status: no assertion criteria provided. Collection method: clinical testing. Allele origin: germline. Affected: yes. Study: VKGL Data-share Consensus. Not counted in ClinVar's aggregate classification.